The following is an entry in ClinVar:

ClinVar aggregate classification (germline): Uncertain significance. Review status: criteria provided, multiple submitters, no conflicts (2 of 4 stars). 2 submissions from 2 submitters: Uncertain significance (2). Last evaluated 2025-10-07.

Allele frequency attached by ClinVar (database versions not stated): TOPMed below 0.00001; ExAC 0.00001; gnomAD 0.00001.
gnomAD v4.1: 9 of 1,593,044 alleles (0.00056%); highest among the groups gnomAD compares: Admixed American, 0.0017%; no homozygotes.

Submissions (2):

Ambry Genetics
Classification: Uncertain significance. Last evaluated: 2025-10-07. Review status: criteria provided, single submitter. Criteria: Ambry Variant Classification Scheme 2023. Collection method: clinical testing. Allele origin: germline.

Labcorp Genetics (formerly Invitae), Labcorp
Classification: Uncertain significance. Last evaluated: 2024-10-24. Review status: criteria provided, single submitter. Criteria: Invitae Variant Classification Sherloc (09022015). Collection method: clinical testing. Allele origin: germline.
Comment: This sequence change replaces threonine, which is neutral and polar, with methionine, which is neutral and non-polar, at codon 6 of the ABRAXAS1 protein (p.Thr6Met). The frequency data for this variant in the population databases is considered unreliable, as metrics indicate poor data quality at this position in the gnomAD database. This variant has not been reported in the literature in individuals affected with ABRAXAS1-related conditions. ClinVar contains an entry for this variant (Variation ID: 1035537). An algorithm developed to predict the effect of missense changes on protein structure and function (PolyPhen-2) suggests that this variant is likely to be disruptive. In summary, the available evidence is currently insufficient to determine the role of this variant in disease. Therefore, it has been classified as a Variant of Uncertain Significance.

NM_139076.3(ABRAXAS1):c.17C>T (p.Thr6Met)

Genes: ABRAXAS1 (abraxas 1, BRCA1 A complex subunit; minus strand), LOC129992784 (ATAC-STARR-seq lymphoblastoid silent region 15542; plus strand). Cytogenetic location: 4q21.23.
Variant type: single nucleotide variant.
Coding change: c.17C>T on transcript NM_139076.3 (MANE Select); coding-DNA position 17, C replaced by T.
Protein change: p.Thr6Met; replaces threonine 6 with methionine.
Molecular consequence: missense variant. On other transcripts: 5 prime UTR variant (1).
Genome position (GRCh38, 1-based): chr4:83,485,056, G>A on the plus strand (C>T on the coding strand, the complement: ABRAXAS1 is on the minus strand). VCF-style: chr4-83485056-G-A. GRCh37 (hg19) VCF-style: chr4-84406209-G-A.
Other names: c.-244C>T (NM_001345962.2); c.17C>T (NM_139076.2); short protein forms T6M.
Identifiers: ClinVar variation 1035537 (VCV001035537.9), dbSNP rs758162182, ClinGen allele CA2990688.